The following is an entry in ClinVar:

NM_138775.3(ALKBH8):c.886T>G (p.Cys296Gly)

Gene: ALKBH8 (alkB homolog 8, tRNA methyltransferase; minus strand). Cytogenetic location: 11q22.3.
Variant type: single nucleotide variant.
Coding change: c.886T>G on transcript NM_138775.3 (MANE Select); coding-DNA position 886, T replaced by G.
Protein change: p.Cys296Gly; replaces cysteine 296 with glycine.
Molecular consequence: missense variant. On other transcripts: non-coding transcript variant (6).
Genome position (GRCh38, 1-based): chr11:107,525,585, A>C on the plus strand (T>G on the coding strand, the complement: ALKBH8 is on the minus strand). VCF-style: chr11-107525585-A-C. GRCh37 (hg19) VCF-style: chr11-107396311-A-C.
Other names: c.886T>G, p.Cys296Gly (NM_001301010.3, NM_001378133.1); short protein forms C296G.
Identifiers: ClinVar variation 3052639 (VCV003052639.3), dbSNP rs61743188, ClinGen allele CA6261090.

ClinVar aggregate classification (germline): Likely benign. Review status: criteria provided, single submitter (1 of 4 stars). 2 submissions from 2 submitters: Likely benign (1). 1 of the submissions does not count toward it. Last evaluated 2024-11-01.

Conditions:
ALKBH8-related disorder. Also called: ALKBH8-related condition.

Allele frequency attached by ClinVar (database versions not stated): gnomAD exomes 0.00050; ExAC 0.00125; gnomAD 0.00266; 1000 Genomes Project 0.00379; 1000 Genomes Project 30x 0.00422.
gnomAD v4.1: 1,055 of 1,389,028 alleles (0.076%); highest among the groups gnomAD compares: African/African-American, 0.84%; 5 homozygotes.

Submissions (2):

Blueprint Genetics
Classification: Likely benign. Last evaluated: 2024-11-01. Review status: criteria provided, single submitter. Criteria: ACMG Guidelines, 2015. Collection method: clinical testing. Allele origin: germline.

PreventionGenetics, part of Exact Sciences
Classification: Benign for ALKBH8-related condition. Last evaluated: 2020-01-03. Review status: no assertion criteria provided. Collection method: clinical testing. Allele origin: germline. Not counted in ClinVar's aggregate classification.
Comment: This variant is classified as benign based on ACMG/AMP sequence variant interpretation guidelines (Richards et al. 2015 PMID: 25741868, with internal and published modifications).